The following is an entry in ClinVar:

ClinVar aggregate classification (germline): Uncertain significance (1 of 4 stars; one submission).

Submission:

Ambry Genetics
Classification: Uncertain significance. Last evaluated: 2025-03-22. Review status: criteria provided, single submitter. Criteria: Ambry Variant Classification Scheme 2023. Collection method: clinical testing. Allele origin: germline.
Comment: The p.D477V variant (also known as c.1430A>T), located in coding exon 2 of the CDK12 gene, results from an A to T substitution at nucleotide position 1430. The aspartic acid at codon 477 is replaced by valine, an amino acid with highly dissimilar properties. This amino acid position is conserved. In addition, this alteration is predicted to be tolerated by in silico analysis. Based on the available evidence, the clinical significance of this variant remains unclear.

NM_016507.4(CDK12):c.1430A>T (p.Asp477Val)

Gene: CDK12 (cyclin dependent kinase 12; plus strand). Cytogenetic location: 17q12.
Variant type: single nucleotide variant.
Coding change: c.1430A>T on transcript NM_016507.4 (MANE Select); coding-DNA position 1430, A replaced by T.
Protein change: p.Asp477Val; replaces aspartic acid 477 with valine.
Molecular consequence: missense variant.
Genome position (GRCh38, 1-based): chr17:39,471,262, A>T. VCF-style: chr17-39471262-A-T. GRCh37 (hg19) VCF-style: chr17-37627515-A-T.
Other names: c.1430A>T, p.Asp477Val (NM_015083.4); short protein forms D477V.
Identifiers: ClinVar variation 3999254 (VCV003999254.1).